The following is an entry in ClinVar:

ClinVar aggregate classification (germline): Likely benign. Review status: criteria provided, multiple submitters, no conflicts (2 of 4 stars). 4 submissions from 4 submitters: Likely benign (4). Last evaluated 2025-11-11.

Conditions:
Hypokalemic periodic paralysis, type 1. Also called: HypoPP; Hypokalemic Periodic Paralysis Type 1 (AD). Identifiers: Orphanet 681, MedGen C3714580, MONDO:0042979, OMIM 170400.
Malignant hyperthermia, susceptibility to, 5 (MHS5). Also called: CACNA1S-Related Malignant Hyperthermia Susceptibility. Identifiers: Orphanet 423, MedGen C1866077, MONDO:0011163, OMIM 601887.

Allele frequency attached by ClinVar (database versions not stated): TOPMed below 0.00001; gnomAD exomes 0.00003 and 0.00008; gnomAD 0.00008; ExAC 0.00010; 1000 Genomes Project 0.00080; 1000 Genomes Project 30x 0.00094.

Submissions (4):

Labcorp Genetics (formerly Invitae), Labcorp
Classification: Likely benign for Hypokalemic periodic paralysis, type 1; Malignant hyperthermia, susceptibility to, 5. Last evaluated: 2025-11-11. Review status: criteria provided, single submitter. Criteria: Invitae Variant Classification Sherloc (09022015). Collection method: clinical testing. Allele origin: germline.

All of Us Research Program, National Institutes of Health
Classification: Likely benign for Malignant hyperthermia, susceptibility to, 5. Last evaluated: 2024-05-30. Review status: criteria provided, single submitter. Criteria: ACMG Guidelines, 2015. Collection method: clinical testing. Allele origin: germline. Inheritance: Autosomal dominant inheritance. Observed: 1 variant allele, 1 heterozygote.
Comment: This study involves interpretation of variants in research participants for the purpose of population health screening. Participant phenotype was not available at the time of variant classification. Additional details can be found in publication PMID: 35346344, PMCID: PMC8962531

Color Diagnostics, LLC DBA Color Health
Classification: Likely benign for Malignant hyperthermia, susceptibility to, 5. Last evaluated: 2024-05-07. Review status: criteria provided, single submitter. Criteria: ACMG Guidelines, 2015. Collection method: clinical testing. Allele origin: germline.

Breakthrough Genomics
Classification: Likely benign. Review status: criteria provided, single submitter. Criteria: ACMG Guidelines, 2015. Collection method: not provided. Allele origin: germline. Inheritance: Autosomal dominant inheritance. Affected: yes.

NM_000069.3(CACNA1S):c.2145C>T (p.Pro715=)

Gene: CACNA1S (calcium voltage-gated channel subunit alpha1 S; minus strand). Cytogenetic location: 1q32.1.
Variant type: single nucleotide variant.
Coding change: c.2145C>T on transcript NM_000069.3 (MANE Select); coding-DNA position 2145, C replaced by T.
Protein change: p.Pro715=; no amino-acid change (proline 715 retained).
Molecular consequence: synonymous variant.
Genome position (GRCh38, 1-based): chr1:201,073,561, G>A on the plus strand (C>T on the coding strand, the complement: CACNA1S is on the minus strand). VCF-style: chr1-201073561-G-A. GRCh37 (hg19) VCF-style: chr1-201042689-G-A.
Identifiers: ClinVar variation 1462970 (VCV001462970.11), dbSNP rs532432558, ClinGen allele CA078814.